The following is an entry in ClinVar:

ClinVar aggregate classification (germline): Likely pathogenic (1 of 4 stars; one submission).

Submission:

Dasa
Classification: Likely pathogenic. Last evaluated: 2025-05-11. Review status: criteria provided, single submitter. Criteria: DASA Assertion Criteria. Collection method: clinical testing. Allele origin: germline.
Comment: NM_000168.6(GLI3):c.4013del (p.Gly1338Alafs*81) is a frameshift variant in GLI3 predicted to alter the reading frame and introduce a premature termination codon and is predicted to result in an absent or altered protein product. Loss of function is an established disease mechanism for GLI3 (PMID: 15739154; PMID: 21326280; PMID: 29236091). Also, this variant is absent from population databases. Based on the currently available evidence, this variant is classified as likely pathogenic.

Literature cited by the submitters: PubMed 15739154; PubMed 21326280; PubMed 29236091.

NM_000168.6(GLI3):c.4013del (p.Gly1338fs)

Gene: GLI3 (GLI family zinc finger 3; minus strand). Cytogenetic location: 7p14.1.
Variant type: Deletion.
Coding change: c.4013del on transcript NM_000168.6 (MANE Select); coding-DNA position 4013, one base deleted (G; older notation c.4013delG).
Protein change: p.Gly1338fs; shifts the reading frame from glycine 1338.
Molecular consequence: frameshift variant.
Genome position (GRCh38, 1-based): chr7:41,965,060, C deleted on the plus strand (G on the coding strand, the reverse complement: GLI3 is on the minus strand); the first of 2 consecutive C bases (chr7:41,965,060-41,965,061); deleting either gives the same sequence. VCF-style (leftmost placement, unchanged base first): chr7-41965059-GC-G. GRCh37 (hg19) VCF-style: chr7-42004657-GC-G.
Other names: short protein forms G1338fs.
Identifiers: ClinVar variation 4856818 (VCV004856818.2).